The following is an entry in ClinVar:

ClinVar aggregate classification (germline): Likely benign. Review status: criteria provided, multiple submitters, no conflicts (2 of 4 stars). 2 submissions from 2 submitters: Likely benign (2). Last evaluated 2026-05-30.

Conditions:
KCNV2-related disorder. Also called: KCNV2-related condition.

Allele frequency attached by ClinVar (database versions not stated): gnomAD 0.00001; 1000 Genomes Project 30x 0.00016; 1000 Genomes Project 0.00020.
gnomAD v4.1: 11 of 1,601,116 alleles (0.00069%); highest among the groups gnomAD compares: Admixed American, 0.0052%; no homozygotes.

Submissions (2):

PreventionGenetics, part of Exact Sciences
Classification: Likely benign for KCNV2-related condition. Last evaluated: 2026-05-30. Review status: criteria provided, single submitter. Criteria: ACMG Guidelines, 2015. Collection method: clinical testing. Allele origin: germline.
Comment: This variant is classified as likely benign based on ACMG/AMP sequence variant interpretation guidelines (Richards et al. 2015 PMID: 25741868, with internal and published modifications).

Labcorp Genetics (formerly Invitae), Labcorp
Classification: Likely benign. Last evaluated: 2024-10-25. Review status: criteria provided, single submitter. Criteria: Invitae Variant Classification Sherloc (09022015). Collection method: clinical testing. Allele origin: germline.

NM_133497.4(KCNV2):c.345G>T (p.Leu115=)

Gene: KCNV2 (potassium voltage-gated channel modifier subfamily V member 2; plus strand). Cytogenetic location: 9p24.2.
Variant type: single nucleotide variant.
Coding change: c.345G>T on transcript NM_133497.4 (MANE Select); coding-DNA position 345, G replaced by T.
Protein change: p.Leu115=; no amino-acid change (leucine 115 retained).
Molecular consequence: synonymous variant.
Genome position (GRCh38, 1-based): chr9:2,718,084, G>T. VCF-style: chr9-2718084-G-T. GRCh37 (hg19) VCF-style: chr9-2718084-G-T.
Other names: c.345G>T (NM_133497.3).
Identifiers: ClinVar variation 1915572 (VCV001915572.6), dbSNP rs202166642, ClinGen allele CA4965419.